The following is an entry in ClinVar:

NM_001166114.2(PNPLA6):c.3088_3091dup (p.Lys1031fs)

Gene: PNPLA6 (patatin like domain 6, lysophospholipase; plus strand). Cytogenetic location: 19p13.2.
Variant type: Duplication.
Coding change: c.3088_3091dup on transcript NM_001166114.2 (MANE Select); coding-DNA positions 3088 to 3091, 4 bases duplicated (GCCA; older notation c.3088_3091dupGCCA).
Protein change: p.Lys1031fs; shifts the reading frame from lysine 1031.
Molecular consequence: frameshift variant.
Genome position (GRCh38, 1-based): chr19:7,555,758-7,555,761, GCCA duplicated. VCF-style (leftmost placement, unchanged base first): chr19-7555757-G-GGCCA. GRCh37 (hg19) VCF-style: chr19-7620643-G-GGCCA.
Other names: c.3118_3121dup, p.Lys1041fs (NM_001166111.2); c.2893_2896dup, p.Lys966fs (NM_001166112.2); c.2974_2977dup, p.Lys993fs (NM_001166113.1, NM_006702.5); short protein forms K1031fs, K1041fs, K966fs, K993fs.
Identifiers: ClinVar variation 3338069 (VCV003338069.1).

ClinVar aggregate classification (germline): Likely pathogenic (0 of 4 stars; one submission).

Conditions:
Hereditary spastic paraplegia 39 (SPG39). Also called: SPASTIC PARAPLEGIA 39, AUTOSOMAL RECESSIVE; Spastic Paraplegia Type 39 (SPG39). Identifiers: Orphanet 139480, MedGen C2677586, MONDO:0012787, OMIM 612020.

Submission:

Solve-RD Consortium
Classification: Likely pathogenic for Hereditary spastic paraplegia 39. Last evaluated: 2022-06-01. Review status: no assertion criteria provided. Collection method: provider interpretation. Allele origin: inherited. Affected: yes.
Comment: Variant confirmed as disease-causing by referring clinical team

Variant identified during reanalysis of unsolved cases by the Solve-RD project. The Solve-RD project has received funding from the European Union’s Horizon 2020 research and innovation programme under grant agreement No 779257.

Literature cited by the submitters: PubMed 39825153.